The following is an entry in ClinVar:

NM_001909.5(CTSD):c.352+48A>G

Gene: CTSD (cathepsin D; minus strand). Cytogenetic location: 11p15.5.
Variant type: single nucleotide variant.
Coding change: c.352+48A>G on transcript NM_001909.5 (MANE Select); 48 bases into the intron after coding-DNA position 352, A replaced by G.
Molecular consequence: intron variant.
Genome position (GRCh38, 1-based): chr11:1,759,468, T>C on the plus strand (A>G on the coding strand, the complement: CTSD is on the minus strand). VCF-style: chr11-1759468-T-C. GRCh37 (hg19) VCF-style: chr11-1780698-T-C.
Identifiers: ClinVar variation 673505 (VCV000673505.2), dbSNP rs139068420, ClinGen allele CA5814215.

ClinVar aggregate classification (germline): Likely benign. Review status: criteria provided, multiple submitters, no conflicts (2 of 4 stars). 2 submissions from 2 submitters: Likely benign (2). Last evaluated 2018-06-14.

Allele frequency attached by ClinVar (database versions not stated): 1000 Genomes Project 0.00619; 1000 Genomes Project 30x 0.00718; ExAC 0.01019; gnomAD exomes 0.01062; gnomAD 0.01090 and 0.01106; TOPMed 0.01109; ESP Exome Variant Server 0.01507.
gnomAD v4.1: 24,525 of 1,610,558 alleles (1.5%); highest among the groups gnomAD compares: Non-Finnish European, 1.8%; 228 homozygotes.

Submissions (2):

GeneDx
Classification: Likely benign. Last evaluated: 2018-06-14. Review status: criteria provided, single submitter. Criteria: GeneDx Variant Classification (06012015). Collection method: clinical testing. Allele origin: germline. Affected: yes.
Comment: This variant is considered likely benign or benign based on one or more of the following criteria: it is a conservative change, it occurs at a poorly conserved position in the protein, it is predicted to be benign by multiple in silico algorithms, and/or has population frequency not consistent with disease.

Breakthrough Genomics
Classification: Likely benign. Review status: criteria provided, single submitter. Criteria: ACMG Guidelines, 2015. Collection method: not provided. Allele origin: germline. Inheritance: Autosomal recessive inheritance. Affected: yes.